The following is an entry in ClinVar:

ClinVar aggregate classification (germline): Likely benign (1 of 4 stars; one submission).

Submission:

CeGaT Center for Human Genetics Tuebingen
Classification: Likely benign. Last evaluated: 2026-01-01. Review status: criteria provided, single submitter. Criteria: CeGaT Center For Human Genetics Tuebingen Variant Classification Criteria Version 2. Collection method: clinical testing. Allele origin: germline. Affected: yes. Observed: 1 variant allele.
Comment: OCA2: PM2:Supporting, BP4, BP7

NM_000275.3(OCA2):c.1866G>T (p.Leu622=)

Gene: OCA2 (OCA2 melanosomal transmembrane protein; minus strand). Cytogenetic location: 15q13.1.
Variant type: single nucleotide variant.
Coding change: c.1866G>T on transcript NM_000275.3 (MANE Select); coding-DNA position 1866, G replaced by T.
Protein change: p.Leu622=; no amino-acid change (leucine 622 retained).
Molecular consequence: synonymous variant.
Genome position (GRCh38, 1-based): chr15:27,951,869, C>A on the plus strand (G>T on the coding strand, the complement: OCA2 is on the minus strand). VCF-style: chr15-27951869-C-A. GRCh37 (hg19) VCF-style: chr15-28197015-C-A.
Other names: c.1794G>T, p.Leu598= (NM_001300984.2).
Identifiers: ClinVar variation 4822911 (VCV004822911.4).